The following is an entry in ClinVar:

ClinVar aggregate classification (germline): Uncertain significance (1 of 4 stars; one submission).

gnomAD v4.1: 1 of 1,361,326 alleles (0.000073%); highest among the groups gnomAD compares: Non-Finnish European, 0.000094%; no homozygotes.

Submission:

GeneDx
Classification: Uncertain significance. Last evaluated: 2025-04-12. Review status: criteria provided, single submitter. Criteria: GeneDx Variant Classification Process June 2021. Collection method: clinical testing. Allele origin: germline. Affected: yes.
Comment: Not observed at significant frequency in large population cohorts (gnomAD); In silico analysis indicates that this missense variant does not alter protein structure/function; Has not been previously published as pathogenic or benign to our knowledge

NM_001079668.3(NKX2-1):c.976G>C (p.Ala326Pro)

Genes: NKX2-1 (NK2 homeobox 1; minus strand), SFTA3 (surfactant associated 3; minus strand). Cytogenetic location: 14q13.3.
Variant type: single nucleotide variant.
Coding change: c.976G>C on transcript NM_001079668.3 (MANE Select); coding-DNA position 976, G replaced by C.
Protein change: p.Ala326Pro; replaces alanine 326 with proline.
Molecular consequence: missense variant.
Genome position (GRCh38, 1-based): chr14:36,517,508, C>G on the plus strand (G>C on the coding strand, the complement: NKX2-1 is on the minus strand). VCF-style: chr14-36517508-C-G. GRCh37 (hg19) VCF-style: chr14-36986713-C-G.
Other names: c.886G>C, p.Ala296Pro (NM_003317.4); short protein forms A296P, A326P.
Identifiers: ClinVar variation 4281963 (VCV004281963.1).
Genomic context (GRCh38, chr14:36,517,508, plus strand): 5'-GTGCGCCAAGGCCGGCGCCACCGCTGCCCACGGAGATGGCCGCTGCCGCCGCCTGCGCGG[C>G]CTGCGCCTGGTGCTGCGCCTGCTGCTGCGCGTGGCCTTGTAGGCTGGCGGCGCCCGGCGC-3'
Protein context (NP_001073136.1, residues 316-336): AQQQAQHQAQ[Ala326Pro]AQAAAAAISV